The following is an entry in ClinVar:

NM_016333.4(SRRM2):c.4965C>T (p.Thr1655=)

Gene: SRRM2 (serine/arginine repetitive matrix 2; plus strand). Cytogenetic location: 16p13.3.
Variant type: single nucleotide variant.
Coding change: c.4965C>T on transcript NM_016333.4 (MANE Select); coding-DNA position 4965, C replaced by T.
Protein change: p.Thr1655=; no amino-acid change (threonine 1655 retained).
Molecular consequence: synonymous variant.
Genome position (GRCh38, 1-based): chr16:2,765,493, C>T. VCF-style: chr16-2765493-C-T. GRCh37 (hg19) VCF-style: chr16-2815494-C-T.
Identifiers: ClinVar variation 4873753 (VCV004873753.2).

ClinVar aggregate classification (germline): Likely benign (1 of 4 stars; one submission).

gnomAD v4.1: 8 of 1,614,124 alleles (0.0005%); highest among the groups gnomAD compares: Admixed American, 0.0033%; 1 homozygote.

Submission:

CeGaT Center for Human Genetics Tuebingen
Classification: Likely benign. Last evaluated: 2026-05-01. Review status: criteria provided, single submitter. Criteria: CeGaT Center For Human Genetics Tuebingen Variant Classification Criteria Version 2. Collection method: clinical testing. Allele origin: germline. Affected: yes. Observed: 1 variant allele.
Comment: SRRM2: BP4, BP7